The following is an entry in ClinVar:

NM_021629.4(GNB4):c.430+1G>A

Gene: GNB4 (G protein subunit beta 4; minus strand). Cytogenetic location: 3q26.33.
Variant type: single nucleotide variant.
Coding change: c.430+1G>A on transcript NM_021629.4 (MANE Select); the canonical splice donor site of the intron after coding-DNA position 430, G replaced by A.
Molecular consequence: splice donor variant.
Genome position (GRCh38, 1-based): chr3:179,414,884, C>T on the plus strand (G>A on the coding strand, the complement: GNB4 is on the minus strand). VCF-style: chr3-179414884-C-T. GRCh37 (hg19) VCF-style: chr3-179132672-C-T.
Identifiers: ClinVar variation 3658200 (VCV003658200.2).
Genomic context (GRCh38, chr3:179,414,884, plus strand): 5'-TTGATCAGCACATTCCACACAAGGAATCGTGTGGTGGGAAAGAATATTTAGGGAAGCTCA[C>T]CTGTGTGACCTGGCAACTCTCGGCTTACTCTCACATTTCCCTCTCTGGTCTTTAAGTTAT-3'

ClinVar aggregate classification (germline): Uncertain significance (1 of 4 stars; one submission).

Conditions:
Charcot-Marie-Tooth disease dominant intermediate F. Identifiers: Orphanet 352670, MedGen C4749463, MONDO:0014074, OMIM 615185.

Submission:

Labcorp Genetics (formerly Invitae), Labcorp
Classification: Uncertain significance for Charcot-Marie-Tooth disease dominant intermediate F. Last evaluated: 2024-06-29. Review status: criteria provided, single submitter. Criteria: Invitae Variant Classification Sherloc (09022015). Collection method: clinical testing. Allele origin: germline.
Comment: This sequence change affects a donor splice site in intron 6 of the GNB4 gene. It is expected to disrupt RNA splicing. Variants that disrupt the donor or acceptor splice site typically lead to a loss of protein function (PMID: 16199547), however the current clinical and genetic evidence is not sufficient to establish whether loss-of-function variants in GNB4 cause disease. This variant is not present in population databases (gnomAD no frequency). This variant has not been reported in the literature in individuals affected with GNB4-related conditions. Algorithms developed to predict the effect of sequence changes on RNA splicing suggest that this variant may disrupt the consensus splice site. In summary, the available evidence is currently insufficient to determine the role of this variant in disease. Therefore, it has been classified as a Variant of Uncertain Significance.

Literature cited by the submitters: PubMed 16199547.